The following is an entry in ClinVar:

ClinVar aggregate classification (germline): Uncertain significance (1 of 4 stars; one submission).

Submission:

Labcorp Genetics (formerly Invitae), Labcorp
Classification: Uncertain significance. Last evaluated: 2022-06-14. Review status: criteria provided, single submitter. Criteria: Invitae Variant Classification Sherloc (09022015). Collection method: clinical testing. Allele origin: germline.
Comment: In summary, the available evidence is currently insufficient to determine the role of this variant in disease. Therefore, it has been classified as a Variant of Uncertain Significance. This sequence change replaces serine, which is neutral and polar, with isoleucine, which is neutral and non-polar, at codon 227 of the SIPA1L3 protein (p.Ser227Ile). This variant is not present in population databases (gnomAD no frequency). This variant has not been reported in the literature in individuals affected with SIPA1L3-related conditions. Algorithms developed to predict the effect of missense changes on protein structure and function are either unavailable or do not agree on the potential impact of this missense change (SIFT: "Deleterious"; PolyPhen-2: "Benign"; Align-GVGD: "Class C0").

NM_015073.3(SIPA1L3):c.680G>T (p.Ser227Ile)

Gene: SIPA1L3 (signal induced proliferation associated 1 like 3; plus strand). Cytogenetic location: 19q13.13.
Variant type: single nucleotide variant.
Coding change: c.680G>T on transcript NM_015073.3 (MANE Select); coding-DNA position 680, G replaced by T.
Protein change: p.Ser227Ile; replaces serine 227 with isoleucine.
Molecular consequence: missense variant.
Genome position (GRCh38, 1-based): chr19:38,082,245, G>T. VCF-style: chr19-38082245-G-T. GRCh37 (hg19) VCF-style: chr19-38572885-G-T.
Other names: short protein forms S227I.
Identifiers: ClinVar variation 2006463 (VCV002006463.4), dbSNP rs2513636732, ClinGen allele CA405596887.